The following is an entry in ClinVar:

NM_001211.6(BUB1B):c.772C>T (p.Leu258Phe)

Gene: BUB1B (BUB1 mitotic checkpoint serine/threonine kinase B; plus strand). Cytogenetic location: 15q15.1.
Variant type: single nucleotide variant.
Coding change: c.772C>T on transcript NM_001211.6 (MANE Select); coding-DNA position 772, C replaced by T.
Protein change: p.Leu258Phe; replaces leucine 258 with phenylalanine.
Molecular consequence: missense variant.
Genome position (GRCh38, 1-based): chr15:40,185,185, C>T. VCF-style: chr15-40185185-C-T. GRCh37 (hg19) VCF-style: chr15-40477386-C-T.
Other names: short protein forms L258F.
Identifiers: ClinVar variation 403745 (VCV000403745.19), dbSNP rs146387899, ClinGen allele CA7475570.
Genomic context (GRCh38, chr15:40,185,185, plus strand): 5'-TGAAACATTTTACATGAGGTTTTAATATTTTTGCTCCTAGCTCCAAGCCAGAACAGAGGA[C>T]TCCAAAATCCATTTCCTCAACAGATGCAAAATAATAGTAGAATTACTGTTTTTGATGAAA-3'
Protein context (NP_001202.5, residues 248-268): ALKAPSQNRG[Leu258Phe]QNPFPQQMQN

ClinVar aggregate classification (germline): Likely benign. Review status: criteria provided, multiple submitters, no conflicts (2 of 4 stars). 5 submissions from 5 submitters: Likely benign (4). 1 of the submissions does not count toward it. Last evaluated 2025-12-30.

Conditions:
Mosaic variegated aneuploidy syndrome 1 (MVA1). Also called: Warburton-Anyane-Yeboa syndrome. Identifiers: Orphanet 1052, MedGen C1850343, MONDO:0009759, OMIM 257300.
BUB1B-related disorder. Also called: BUB1B-related condition.
Inborn genetic diseases. Identifiers: MedGen C0950123, MeSH D030342.

Allele frequency attached by ClinVar (database versions not stated): 1000 Genomes Project 30x 0.00031; 1000 Genomes Project 0.00040; ExAC 0.00021; ESP Exome Variant Server 0.00077; gnomAD 0.00078 and 0.00085; TOPMed 0.00086; gnomAD exomes 0.00018.
gnomAD v4.1: 224 of 1,613,990 alleles (0.014%); highest among the groups gnomAD compares: African/African-American, 0.27%; no homozygotes.

Submissions (5):

Labcorp Genetics (formerly Invitae), Labcorp
Classification: Likely benign for Mosaic variegated aneuploidy syndrome 1. Last evaluated: 2025-12-30. Review status: criteria provided, single submitter. Criteria: Invitae Variant Classification Sherloc (09022015). Collection method: clinical testing. Allele origin: germline.

Dasa
Classification: Likely benign. Last evaluated: 2025-12-29. Review status: criteria provided, single submitter. Criteria: DASA Assertion Criteria. Collection method: clinical testing. Allele origin: germline.
Comment: NM_001211.6(BUB1B):c.772C>T (p.Leu258Phe) is a missense variant that results in the substitution of leucine with phenylalanine. Multiple computational predictions suggest no deleterious effect on the gene or gene product. The variant is present at low frequency in population datasets. Based on the available data, this variant is classified as likely benign.

Ambry Genetics
Classification: Likely benign for Inborn genetic diseases. Last evaluated: 2025-07-02. Review status: criteria provided, single submitter. Criteria: Ambry Variant Classification Scheme 2023. Collection method: clinical testing. Allele origin: germline.

Breakthrough Genomics
Classification: Likely benign. Review status: criteria provided, single submitter. Criteria: ACMG Guidelines, 2015. Collection method: not provided. Allele origin: germline. Inheritance: Autosomal recessive inheritance. Affected: yes.

PreventionGenetics, part of Exact Sciences
Classification: Likely benign for BUB1B-related condition. Last evaluated: 2021-04-14. Review status: no assertion criteria provided. Collection method: clinical testing. Allele origin: germline. Not counted in ClinVar's aggregate classification.
Comment: This variant is classified as likely benign based on ACMG/AMP sequence variant interpretation guidelines (Richards et al. 2015 PMID: 25741868, with internal and published modifications).